The following is an entry in ClinVar:

NM_000059.4(BRCA2):c.3433C>T (p.Pro1145Ser)

Gene: BRCA2 (BRCA2 DNA repair associated; plus strand). Cytogenetic location: 13q13.1.
Variant type: single nucleotide variant.
Coding change: c.3433C>T on transcript NM_000059.4 (MANE Select); coding-DNA position 3433, C replaced by T.
Protein change: p.Pro1145Ser; replaces proline 1145 with serine.
Molecular consequence: missense variant.
Genome position (GRCh38, 1-based): chr13:32,337,788, C>T. VCF-style: chr13-32337788-C-T. GRCh37 (hg19) VCF-style: chr13-32911925-C-T.
Other names: short protein forms P1145S.
Identifiers: ClinVar variation 823768 (VCV000823768.6), dbSNP rs1555283232, ClinGen allele CA387776580.

ClinVar aggregate classification (germline): Conflicting classifications of pathogenicity. Review status: criteria provided, conflicting classifications (1 of 4 stars). 2 submissions from 2 submitters: Uncertain significance (1); Likely benign (1). Last evaluated 2023-03-23.

Conditions:
Hereditary cancer-predisposing syndrome. Also called: Neoplastic Syndromes, Hereditary; Tumor predisposition; Hereditary neoplastic syndrome; Hereditary Cancer Syndrome. Identifiers: Orphanet 140162, MedGen C0027672, MeSH D009386, MONDO:0015356.

Allele frequency attached by ClinVar (database versions not stated): gnomAD exomes below 0.00001.
gnomAD v4.1: 1 of 1,613,974 alleles (0.000062%); highest among the groups gnomAD compares: Admixed American, 0.0017%; no homozygotes.

Submissions (2):

University of Washington Department of Laboratory Medicine, University of Washington
Classification: Likely benign for Hereditary cancer-predisposing syndrome. Last evaluated: 2023-03-23. Review status: criteria provided, single submitter. Criteria: Dines et al. (Genet Med. 2020). Collection method: curation. Allele origin: germline.
Comment: Missense variant in a coldspot region where missense variants are very unlikely to be pathogenic (PMID:31911673).

BRCA2 exon 11 coldspot. Reclassification based on statistical prior probability.

Ambry Genetics
Classification: Uncertain significance for Hereditary cancer-predisposing syndrome. Last evaluated: 2019-01-24. Review status: criteria provided, single submitter. Criteria: Ambry Variant Classification Scheme 2023. Collection method: clinical testing. Allele origin: germline.
Comment: The p.P1145S variant (also known as c.3433C>T), located in coding exon 10 of the BRCA2 gene, results from a C to T substitution at nucleotide position 3433. The proline at codon 1145 is replaced by serine, an amino acid with similar properties. This amino acid position is not well conserved in available vertebrate species. In addition, this alteration is predicted to be tolerated by in silico analysis. Since supporting evidence is limited at this time, the clinical significance of this alteration remains unclear.